The following is an entry in ClinVar:

NM_001792.5(CDH2):c.25C>G (p.Arg9Gly)

Gene: CDH2 (cadherin 2; minus strand). Cytogenetic location: 18q12.1.
Variant type: single nucleotide variant.
Coding change: c.25C>G on transcript NM_001792.5 (MANE Select); coding-DNA position 25, C replaced by G.
Protein change: p.Arg9Gly; replaces arginine 9 with glycine.
Molecular consequence: missense variant.
Genome position (GRCh38, 1-based): chr18:28,176,998, G>C on the plus strand (C>G on the coding strand, the complement: CDH2 is on the minus strand). VCF-style: chr18-28176998-G-C. GRCh37 (hg19) VCF-style: chr18-25756962-G-C.
Other names: short protein forms R9G.
Identifiers: ClinVar variation 1965248 (VCV001965248.5), dbSNP rs1403830213, ClinGen allele CA402245116.

ClinVar aggregate classification (germline): Uncertain significance (1 of 4 stars; one submission).

Allele frequency attached by ClinVar (database versions not stated): 1000 Genomes Project 30x 0.00016.
gnomAD v4.1: 8 of 1,479,860 alleles (0.00054%); highest among the groups gnomAD compares: African/African-American, 0.012%; no homozygotes.

Submission:

Labcorp Genetics (formerly Invitae), Labcorp
Classification: Uncertain significance. Last evaluated: 2025-03-10. Review status: criteria provided, single submitter. Criteria: Invitae Variant Classification Sherloc (09022015). Collection method: clinical testing. Allele origin: germline.
Comment: This sequence change replaces arginine, which is basic and polar, with glycine, which is neutral and non-polar, at codon 9 of the CDH2 protein (p.Arg9Gly). This variant is present in population databases (no rsID available, gnomAD 0.01%). This variant has not been reported in the literature in individuals affected with CDH2-related conditions. ClinVar contains an entry for this variant (Variation ID: 1965248). An algorithm developed to predict the effect of missense changes on protein structure and function (PolyPhen-2) suggests that this variant is likely to be tolerated. In summary, the available evidence is currently insufficient to determine the role of this variant in disease. Therefore, it has been classified as a Variant of Uncertain Significance.